The following is an entry in ClinVar:

NM_000245.4(MET):c.1310T>C (p.Val437Ala)

Gene: MET (MET proto-oncogene, receptor tyrosine kinase; plus strand). Cytogenetic location: 7q31.2.
Variant type: single nucleotide variant.
Coding change: c.1310T>C on transcript NM_000245.4 (MANE Select); coding-DNA position 1310, T replaced by C.
Protein change: p.Val437Ala; replaces valine 437 with alanine.
Molecular consequence: missense variant.
Genome position (GRCh38, 1-based): chr7:116,731,777, T>C. VCF-style: chr7-116731777-T-C. GRCh37 (hg19) VCF-style: chr7-116371831-T-C.
Other names: c.1310T>C, p.Val437Ala (NM_001127500.3, NM_001324401.3); c.20T>C, p.Val7Ala (NM_001324402.2); short protein forms V7A, V437A.
Identifiers: ClinVar variation 2862372 (VCV002862372.3), dbSNP rs2116782305, ClinGen allele CA368972904.

ClinVar aggregate classification (germline): Uncertain significance (1 of 4 stars; one submission).

Conditions:
Renal cell carcinoma. Identifiers: Orphanet 217071, MedGen C0007134, MeSH D002292, MONDO:0005086, HP:0005584.

Submission:

Labcorp Genetics (formerly Invitae), Labcorp
Classification: Uncertain significance for Renal cell carcinoma. Last evaluated: 2023-10-18. Review status: criteria provided, single submitter. Criteria: Invitae Variant Classification Sherloc (09022015). Collection method: clinical testing. Allele origin: germline.
Comment: This sequence change replaces valine, which is neutral and non-polar, with alanine, which is neutral and non-polar, at codon 437 of the MET protein (p.Val437Ala). This variant is not present in population databases (gnomAD no frequency). This variant has not been reported in the literature in individuals affected with MET-related conditions. Advanced modeling of protein sequence and biophysical properties (such as structural, functional, and spatial information, amino acid conservation, physicochemical variation, residue mobility, and thermodynamic stability) has been performed at Invitae for this missense variant, however the output from this modeling did not meet the statistical confidence thresholds required to predict the impact of this variant on MET protein function. In summary, the available evidence is currently insufficient to determine the role of this variant in disease. Therefore, it has been classified as a Variant of Uncertain Significance.